The following is an entry in ClinVar:

ClinVar aggregate classification (germline): Conflicting classifications of pathogenicity. Review status: criteria provided, conflicting classifications (1 of 4 stars). 6 submissions from 6 submitters: Likely pathogenic (5); Uncertain significance (1). Last evaluated 2026-07-14.

Conditions:
CLN6-related disorder. Also called: CLN6-related condition.
Ceroid lipofuscinosis, neuronal, 6A. Also called: Neuronal ceroid lipofuscinosis, Gypsy/Indian early juvenile variant; Neuronal ceroid lipofuscinosis 6; Neuronal ceroid lipofuscinosis, late infantile, variant; CLN6-Related Neuronal Ceroid-Lipofuscinosis. Identifiers: Orphanet 168491, Orphanet 228363, MedGen C5551375, MONDO:0011144, OMIM 601780.
Ceroid lipofuscinosis, neuronal, 6B (Kufs type). Also called: Neuronal ceroid lipofuscinosis 4A. Identifiers: Orphanet 700477, MedGen C5561927, MONDO:0008768, OMIM 204300.
Neuronal ceroid lipofuscinosis. Also called: Neuronal Ceroid Lipofuscinoses. Identifiers: Orphanet 216, Orphanet 79263, MedGen C0027877, MONDO:0016295. Disease mechanism: loss of function.

Allele frequency attached by ClinVar (database versions not stated): TOPMed 0.00002; gnomAD 0.00006; gnomAD exomes 0.00006; ExAC 0.00009.
gnomAD v4.1: 36 of 1,613,806 alleles (0.0022%); highest among the groups gnomAD compares: East Asian, 0.0067%; no homozygotes.

Submissions (6):

Myriad Genetics, Inc.
Classification: Uncertain significance for Neuronal ceroid lipofuscinosis. Last evaluated: 2026-07-14. Review status: criteria provided, single submitter. Criteria: Myriad Autosomal Dominant, Autosomal Recessive and X-Linked Classification Criteria (2023). Collection method: clinical testing. Allele origin: unknown.
Comment: NM_017882.2(CLN6):c.445C>T(R149C) is a missense variant classified as a variant of uncertain significance in the context of neuronal ceroid lipofuscinosis, CLN6-related. R149C has been observed in cases with relevant disease (PMID: 21990111, 31741823, 35505348). Relevant functional assessments of this variant are available in the literature (PMID: 32171521). R149C has been observed in referenced population frequency databases. In summary, there is insufficient evidence to classify NM_017882.2(CLN6):c.445C>T(R149C) as pathogenic or benign. Please note: this variant was assessed in the context of healthy population screening.

Labcorp Genetics (formerly Invitae), Labcorp
Classification: Likely pathogenic for Neuronal ceroid lipofuscinosis. Last evaluated: 2025-12-16. Review status: criteria provided, single submitter. Criteria: Invitae Variant Classification Sherloc (09022015). Collection method: clinical testing. Allele origin: germline.
Comment: This sequence change replaces arginine, which is basic and polar, with cysteine, which is neutral and slightly polar, at codon 149 of the CLN6 protein (p.Arg149Cys). This variant is present in population databases (rs747229909, gnomAD 0.04%). This missense change has been observed in individuals with neuronal ceroid lipofuscinosis (PMID: 21990111, 31741823, 35505348). It has also been observed to segregate with disease in related individuals. ClinVar contains an entry for this variant (Variation ID: 457972). Invitae Evidence Modeling of protein sequence and biophysical properties (such as structural, functional, and spatial information, amino acid conservation, physicochemical variation, residue mobility, and thermodynamic stability) indicates that this missense variant is not expected to disrupt CLN6 protein function with a negative predictive value of 80%. Experimental studies have shown that this missense change affects CLN6 function (PMID: 32171521). This variant disrupts the p.Arg149 amino acid residue in CLN6. Other variant(s) that disrupt this residue have been observed in individuals with CLN6-related conditions (PMID: 21549341, 30561534), which suggests that this may be a clinically significant amino acid residue. In summary, the currently available evidence indicates that the variant is pathogenic, but additional data are needed to prove that conclusively. Therefore, this variant has been classified as Likely Pathogenic.

Blueprint Genetics
Classification: Likely pathogenic for CLN6-related disorders. Last evaluated: 2024-07-18. Review status: criteria provided, single submitter. Criteria: ACMG Guidelines, 2015. Collection method: clinical testing. Allele origin: germline. Affected: yes. Observed: 4 variant alleles.

Fulgent Genetics
Classification: Likely pathogenic for Ceroid lipofuscinosis, neuronal, 6B (Kufs type); Ceroid lipofuscinosis, neuronal, 6A. Last evaluated: 2024-03-28. Review status: criteria provided, single submitter. Criteria: ACMG Guidelines, 2015. Collection method: clinical testing. Allele origin: germline.

Women's Health and Genetics/Laboratory Corporation of America, LabCorp
Classification: Likely pathogenic for Neuronal ceroid lipofuscinosis. Last evaluated: 2021-11-17. Review status: criteria provided, single submitter. Criteria: LabCorp Variant Classification Summary - May 2015. Collection method: clinical testing. Allele origin: germline.
Comment: Variant summary: CLN6 c.445C>T (p.Arg149Cys) results in a non-conservative amino acid change in the encoded protein sequence. Five of five in-silico tools predict a damaging effect of the variant on protein function. The variant allele was found at a frequency of 5.6e-05 in 251224 control chromosomes. This frequency is not significantly higher than expected for a pathogenic variant in CLN6 causing Neuronal Ceroid-Lipofuscinosis (Batten Disease) (5.6e-05 vs 0.0011), allowing no conclusion about variant significance. c.445C>T has been reported in the literature as a non-informative genotype (second allele not specified) (example, Kousi_2012, Sleat_2016) and as a homozygous genotype in at-least three individuals (example Jiliani_2019) affected with Neuronal Ceroid-Lipofuscinosis (Batten Disease). These data indicate that the variant is very likely to be associated with disease. To our knowledge, no experimental evidence demonstrating an impact on protein function has been reported. One clinical diagnostic laboratory has submitted clinical-significance assessments for this variant to ClinVar after 2014 and classified the variant as uncertain significance citing overlapping but not all evidence utilized in the context of this evaluation. Based on the evidence outlined above, the variant was classified as likely pathogenic.

Juno Genomics, Hangzhou Juno Genomics, Inc
Classification: Likely pathogenic for Ceroid lipofuscinosis, neuronal, 6A; Ceroid lipofuscinosis, neuronal, 6B (Kufs type). Review status: criteria provided, single submitter. Criteria: ACMG Guidelines, 2015. Collection method: clinical testing. Allele origin: germline.
Comment: Absent from controls (or at extremely low frequency if recessive) in Genome Aggregation Database.;Multiple lines of computational evidence support a deleterious effect on the gene or gene product.;For recessive disorders, detected in trans with a pathogenic variant.;Patient's phenotype or family history is highly specific for a disease with a single genetic etiology.;Novel missense change at an amino acid residue where a different missense change determined to be pathogenic has been seen before.

Literature cited by the submitters: PubMed 21990111 (cited by 3 submitters); PubMed 31741823 (cited by 3 submitters); PubMed 32171521 (cited by Myriad Genetics, Inc. and Labcorp Genetics (formerly Invitae), Labcorp); PubMed 35505348 (cited by Myriad Genetics, Inc. and Labcorp Genetics (formerly Invitae), Labcorp); PubMed 21549341 (cited by Labcorp Genetics (formerly Invitae), Labcorp); PubMed 30561534 (cited by Labcorp Genetics (formerly Invitae), Labcorp); PubMed 27553520 (cited by Women's Health and Genetics/Laboratory Corporation of America, LabCorp).

NM_017882.3(CLN6):c.445C>T (p.Arg149Cys)

Gene: CLN6 (CLN6 transmembrane ER protein; minus strand). Cytogenetic location: 15q23.
Variant type: single nucleotide variant.
Coding change: c.445C>T on transcript NM_017882.3 (MANE Select); coding-DNA position 445, C replaced by T.
Protein change: p.Arg149Cys; replaces arginine 149 with cysteine.
Molecular consequence: missense variant.
Genome position (GRCh38, 1-based): chr15:68,211,716, G>A on the plus strand (C>T on the coding strand, the complement: CLN6 is on the minus strand). VCF-style: chr15-68211716-G-A. GRCh37 (hg19) VCF-style: chr15-68504054-G-A.
Other names: short protein forms R149C.
Identifiers: ClinVar variation 457972 (VCV000457972.11), dbSNP rs747229909, ClinGen allele CA7630608.